The following is an entry in ClinVar:

ClinVar aggregate classification (germline): Benign/Likely benign. Review status: criteria provided, multiple submitters, no conflicts (2 of 4 stars). 2 submissions from 2 submitters: Benign (1); Likely benign (1). Last evaluated 2024-04-16.

Conditions:
Familial cancer of breast. Also called: BREAST CANCER, FAMILIAL; Hereditary breast cancer; hereditary breast carcinoma. Identifiers: Orphanet 227535, MedGen C0346153, MONDO:0016419, OMIM 114480. Disease mechanism: loss of function.
Hereditary cancer-predisposing syndrome. Also called: Tumor predisposition; Hereditary neoplastic syndrome; Hereditary Cancer Syndrome; Neoplastic Syndromes, Hereditary. Identifiers: Orphanet 140162, MedGen C0027672, MeSH D009386, MONDO:0015356.

Allele frequency attached by ClinVar (database versions not stated): gnomAD 0.00001.
gnomAD v4.1: 1 of 1,613,684 alleles (0.000062%); highest among the groups gnomAD compares: African/African-American, 0.0013%; no homozygotes.

Submissions (2):

Myriad Genetics, Inc.
Classification: Benign for Familial cancer of breast. Last evaluated: 2024-04-16. Review status: criteria provided, single submitter. Criteria: Myriad Autosomal Dominant, Autosomal Recessive and X-Linked Classification Criteria (2023). Collection method: clinical testing. Allele origin: unknown.
Comment: This variant is considered benign. This variant is a silent/synonymous amino acid change and it is not expected to impact splicing.

Ambry Genetics
Classification: Likely benign for Hereditary cancer-predisposing syndrome. Last evaluated: 2023-10-13. Review status: criteria provided, single submitter. Criteria: Ambry Variant Classification Scheme 2023. Collection method: clinical testing. Allele origin: germline.

NM_000051.4(ATM):c.9A>C (p.Leu3=)

Gene: ATM (ATM serine/threonine kinase; plus strand). Cytogenetic location: 11q22.3.
Variant type: single nucleotide variant.
Coding change: c.9A>C on transcript NM_000051.4 (MANE Select); coding-DNA position 9, A replaced by C.
Protein change: p.Leu3=; no amino-acid change (leucine 3 retained).
Molecular consequence: synonymous variant.
Genome position (GRCh38, 1-based): chr11:108,227,633, A>C. VCF-style: chr11-108227633-A-C. GRCh37 (hg19) VCF-style: chr11-108098360-A-C.
Other names: c.9A>C, p.Leu3= (NM_001351834.2, NM_001351835.2, NM_001351836.2).
Identifiers: ClinVar variation 3223666 (VCV003223666.2), dbSNP rs1555053869, ClinGen allele CA476667934.
Genomic context (GRCh38, chr11:108,227,633, plus strand): 5'-CCTATATGTATTTTTTTTACAGACAGTGATGTGTGTTCTGAAATTGTGAACCATGAGTCT[A>C]GTACTTAATGATCTGCTTATCTGCTGCCGTCAACTAGAACATGATAGAGCTACAGAACGA-3'
Protein context (NP_000042.3, residues 1-13): MS[Leu3=]VLNDLLICCR